The following is an entry in ClinVar:

NM_005477.3(HCN4):c.1349G>C (p.Trp450Ser)

Gene: HCN4 (hyperpolarization activated cyclic nucleotide gated potassium channel 4; minus strand). Cytogenetic location: 15q24.1.
Variant type: single nucleotide variant.
Coding change: c.1349G>C on transcript NM_005477.3 (MANE Select); coding-DNA position 1349, G replaced by C.
Protein change: p.Trp450Ser; replaces tryptophan 450 with serine.
Molecular consequence: missense variant.
Genome position (GRCh38, 1-based): chr15:73,332,153, C>G on the plus strand (G>C on the coding strand, the complement: HCN4 is on the minus strand). VCF-style: chr15-73332153-C-G. GRCh37 (hg19) VCF-style: chr15-73624494-C-G.
Other names: short protein forms W450S.
Identifiers: ClinVar variation 566400 (VCV000566400.9), dbSNP rs1567776985, ClinGen allele CA393094281.

ClinVar aggregate classification (germline): Uncertain significance (1 of 4 stars; one submission).

Conditions:
Brugada syndrome 8 (BRGDA8). Identifiers: Orphanet 130, MedGen C2751083, MONDO:0013148, OMIM 613123.

Submission:

Labcorp Genetics (formerly Invitae), Labcorp
Classification: Uncertain significance for Brugada syndrome 8. Last evaluated: 2022-08-01. Review status: criteria provided, single submitter. Criteria: Invitae Variant Classification Sherloc (09022015). Collection method: clinical testing. Allele origin: germline.
Comment: This variant has not been reported in the literature in individuals affected with HCN4-related conditions. In summary, the available evidence is currently insufficient to determine the role of this variant in disease. Therefore, it has been classified as a Variant of Uncertain Significance. Advanced modeling of protein sequence and biophysical properties (such as structural, functional, and spatial information, amino acid conservation, physicochemical variation, residue mobility, and thermodynamic stability) performed at Invitae indicates that this missense variant is expected to disrupt HCN4 protein function. ClinVar contains an entry for this variant (Variation ID: 566400). This variant is not present in population databases (gnomAD no frequency). This sequence change replaces tryptophan, which is neutral and slightly polar, with serine, which is neutral and polar, at codon 450 of the HCN4 protein (p.Trp450Ser).